The following is an entry in ClinVar:

ClinVar aggregate classification (germline): Uncertain significance (1 of 4 stars; one submission).

Submission:

Women's Health and Genetics/Laboratory Corporation of America, LabCorp
Classification: Uncertain significance. Last evaluated: 2024-10-30. Review status: criteria provided, single submitter. Criteria: LabCorp Variant Classification Summary - May 2015. Collection method: clinical testing. Allele origin: germline.
Comment: Variant summary: ETFDH c.293T>A (p.Ile98Asn) results in a non-conservative amino acid change in the encoded protein sequence. Five of five in-silico tools predict a damaging effect of the variant on protein function. The variant was absent in 251436 control chromosomes. c.293T>A has been reported in the literature in individuals affected with Multiple acyl-CoA dehydrogenation deficiency, as a homozygous or heterozygous genotype (e.g. Boemer_2017, Lupica_2022). These data indicate that the variant may be associated with disease. To our knowledge, no experimental evidence demonstrating an impact on protein function has been reported. The following publications have been ascertained in the context of this evaluation (PMID: 29247206, 35309592). No submiters have cited clinical-significance assessments for this variant to ClinVar. Based on the evidence outlined above, the variant was classified as VUS-possibly pathogenic.

Literature cited by the submitters: PubMed 29247206; PubMed 35309592.

NM_004453.4(ETFDH):c.293T>A (p.Ile98Asn)

Gene: ETFDH (electron transfer flavoprotein dehydrogenase; plus strand). Cytogenetic location: 4q32.1.
Variant type: single nucleotide variant.
Coding change: c.293T>A on transcript NM_004453.4 (MANE Select); coding-DNA position 293, T replaced by A.
Protein change: p.Ile98Asn; replaces isoleucine 98 with asparagine.
Molecular consequence: missense variant.
Genome position (GRCh38, 1-based): chr4:158,682,312, T>A. VCF-style: chr4-158682312-T-A. GRCh37 (hg19) VCF-style: chr4-159603464-T-A.
Other names: c.152T>A, p.Ile51Asn (NM_001281737.2); c.110T>A, p.Ile37Asn (NM_001281738.1); short protein forms I37N, I51N, I98N.
Identifiers: ClinVar variation 3385190 (VCV003385190.1).